The following is an entry in ClinVar:

ClinVar aggregate classification (germline): Likely benign (1 of 4 stars; one submission).

Conditions:
DLC1-related disorder. Also called: DLC1-related condition.

gnomAD v4.1: 9 of 1,614,058 alleles (0.00056%); highest among the groups gnomAD compares: African/African-American, 0.0093%; no homozygotes.

Submission:

PreventionGenetics, part of Exact Sciences
Classification: Likely benign for DLC1-related condition. Last evaluated: 2025-10-08. Review status: criteria provided, single submitter. Criteria: ACMG Guidelines, 2015. Collection method: clinical testing. Allele origin: germline.
Comment: This variant is classified as likely benign based on ACMG/AMP sequence variant interpretation guidelines (Richards et al. 2015 PMID: 25741868, with internal and published modifications).

NM_182643.3(DLC1):c.4545C>T (p.Phe1515=)

Gene: DLC1 (DLC1 Rho GTPase activating protein; minus strand). Cytogenetic location: 8p22.
Variant type: single nucleotide variant.
Coding change: c.4545C>T on transcript NM_182643.3 (MANE Select); coding-DNA position 4545, C replaced by T.
Protein change: p.Phe1515=; no amino-acid change (phenylalanine 1515 retained).
Molecular consequence: synonymous variant. On other transcripts: intron variant (1).
Genome position (GRCh38, 1-based): chr8:13,085,853, G>A on the plus strand (C>T on the coding strand, the complement: DLC1 is on the minus strand). VCF-style: chr8-13085853-G-A. GRCh37 (hg19) VCF-style: chr8-12943362-G-A.
Other names: c.3012C>T, p.Phe1004= (NM_001164271.2, NM_001348082.2, NM_001348083.1 and 6 more transcripts); c.3336C>T, p.Phe1112= (NM_001316668.2); c.4545C>T, p.Phe1515= (NM_001348081.2, NM_001413124.1); c.3117C>T, p.Phe1039= (NM_001413129.1); c.3327C>T, p.Phe1109= (NM_001413130.1); c.2985C>T, p.Phe995= (NM_001413131.1, NM_001413137.1); c.3471C>T, p.Phe1157= (NM_001413132.1); c.3234C>T, p.Phe1078= (NM_001413135.1, NM_006094.5); and 3 more.
Identifiers: ClinVar variation 4983712 (VCV004983712.1).